The following is an entry in ClinVar:

NM_000098.3(CPT2):c.1178A>G (p.Gln393Arg)

Gene: CPT2 (carnitine palmitoyltransferase 2; plus strand). Cytogenetic location: 1p32.3.
Variant type: single nucleotide variant.
Coding change: c.1178A>G on transcript NM_000098.3 (MANE Select); coding-DNA position 1178, A replaced by G.
Protein change: p.Gln393Arg; replaces glutamine 393 with arginine.
Molecular consequence: missense variant.
Genome position (GRCh38, 1-based): chr1:53,210,852, A>G. VCF-style: chr1-53210852-A-G. GRCh37 (hg19) VCF-style: chr1-53676524-A-G.
Other names: c.1178A>G, p.Gln393Arg (NM_001330589.2); short protein forms Q393R.
Identifiers: ClinVar variation 2136439 (VCV002136439.1), dbSNP rs2525589498, ClinGen allele CA340394686.

ClinVar aggregate classification (germline): Uncertain significance (1 of 4 stars; one submission).

Conditions:
Carnitine palmitoyltransferase II deficiency. Also called: Carnitine Palmitoyltransferase 2 Deficiency. Identifiers: Orphanet 157, MedGen C0342790, MONDO:0015515.

Allele frequency attached by ClinVar (database versions not stated): gnomAD exomes below 0.00001.

Submission:

Labcorp Genetics (formerly Invitae), Labcorp
Classification: Uncertain significance for Carnitine palmitoyltransferase II deficiency. Last evaluated: 2022-03-10. Review status: criteria provided, single submitter. Criteria: Invitae Variant Classification Sherloc (09022015). Collection method: clinical testing. Allele origin: germline.
Comment: This sequence change replaces glutamine, which is neutral and polar, with arginine, which is basic and polar, at codon 393 of the CPT2 protein (p.Gln393Arg). This variant is not present in population databases (gnomAD no frequency). This variant has not been reported in the literature in individuals affected with CPT2-related conditions. Advanced modeling of protein sequence and biophysical properties (such as structural, functional, and spatial information, amino acid conservation, physicochemical variation, residue mobility, and thermodynamic stability) performed at Invitae indicates that this missense variant is not expected to disrupt CPT2 protein function. In summary, the available evidence is currently insufficient to determine the role of this variant in disease. Therefore, it has been classified as a Variant of Uncertain Significance.